The following is an entry in ClinVar:

NM_015512.5(DNAH1):c.9646C>G (p.Leu3216Val)

Gene: DNAH1 (dynein axonemal heavy chain 1; plus strand). Cytogenetic location: 3p21.1.
Variant type: single nucleotide variant.
Coding change: c.9646C>G on transcript NM_015512.5 (MANE Select); coding-DNA position 9646, C replaced by G.
Protein change: p.Leu3216Val; replaces leucine 3216 with valine.
Molecular consequence: missense variant.
Genome position (GRCh38, 1-based): chr3:52,390,959, C>G. VCF-style: chr3-52390959-C-G. GRCh37 (hg19) VCF-style: chr3-52424975-C-G.
Other names: short protein forms L3216V.
Identifiers: ClinVar variation 478516 (VCV000478516.11), dbSNP rs200158571, ClinGen allele CA2435587.

ClinVar aggregate classification (germline): Uncertain significance. Review status: criteria provided, multiple submitters, no conflicts (2 of 4 stars). 2 submissions from 2 submitters: Uncertain significance (2). Last evaluated 2022-10-24.

Conditions:
Ciliary dyskinesia, primary, 37 (CILD37). Also called: CILIARY DYSKINESIA, PRIMARY, 37, WITH OR WITHOUT SITUS INVERSUS. Identifiers: MedGen C4539798, MONDO:0033204, OMIM 617577.
Oligosynaptic infertility (SPGF1). Also called: SPERMATOGENIC FAILURE 1; OLIGOCHIASMATIC INFERTILITY. Identifiers: MedGen C0403810, MONDO:0009776, OMIM 258150.
Primary ciliary dyskinesia. Also called: Ciliary dyskinesia. Identifiers: Orphanet 244, MedGen C0008780, MONDO:0016575, HP:0012265.
Spermatogenic failure 18. Identifiers: MedGen C4539783, MONDO:0054615, OMIM 617576.

Allele frequency attached by ClinVar (database versions not stated): 1000 Genomes Project 0.00040; 1000 Genomes Project 30x 0.00047; ExAC 0.00049; ESP Exome Variant Server 0.00066; gnomAD exomes 0.00067 and 0.00126; gnomAD 0.00076; TOPMed 0.00088.
gnomAD v4.1: 1,850 of 1,552,314 alleles (0.12%); highest among the groups gnomAD compares: Middle Eastern, 0.2%; 1 homozygote.

Submissions (2):

Labcorp Genetics (formerly Invitae), Labcorp
Classification: Uncertain significance for Ciliary dyskinesia, primary, 37; Spermatogenic failure 18. Last evaluated: 2022-10-24. Review status: criteria provided, single submitter. Criteria: Invitae Variant Classification Sherloc (09022015). Collection method: clinical testing. Allele origin: germline.
Comment: This sequence change replaces leucine, which is neutral and non-polar, with valine, which is neutral and non-polar, at codon 3216 of the DNAH1 protein (p.Leu3216Val). This variant is present in population databases (rs200158571, gnomAD 0.1%), and has an allele count higher than expected for a pathogenic variant. This variant has not been reported in the literature in individuals affected with DNAH1-related conditions. ClinVar contains an entry for this variant (Variation ID: 478516). Advanced modeling of protein sequence and biophysical properties (such as structural, functional, and spatial information, amino acid conservation, physicochemical variation, residue mobility, and thermodynamic stability) performed at Invitae indicates that this missense variant is not expected to disrupt DNAH1 protein function. In summary, the available evidence is currently insufficient to determine the role of this variant in disease. Therefore, it has been classified as a Variant of Uncertain Significance.

UNC Molecular Genetics  Laboratory, University of North Carolina at Chapel Hill
Classification: Uncertain significance for Primary ciliary dyskinesia. Last evaluated: 2019-04-18. Review status: criteria provided, single submitter. Criteria: ACMG Guidelines, 2015. Collection method: clinical testing. Allele origin: germline. Observed: 2 heterozygotes.